The following is an entry in ClinVar:

NM_000535.7(PMS2):c.379G>T (p.Ala127Ser)

Gene: PMS2 (PMS1 homolog 2, mismatch repair system component; minus strand). Cytogenetic location: 7p22.1.
Variant type: single nucleotide variant.
Coding change: c.379G>T on transcript NM_000535.7 (MANE Select); coding-DNA position 379, G replaced by T.
Protein change: p.Ala127Ser; replaces alanine 127 with serine.
Molecular consequence: missense variant. On other transcripts: 5 prime UTR variant (8), non-coding transcript variant (1).
Genome position (GRCh38, 1-based): chr7:6,002,611, C>A on the plus strand (G>T on the coding strand, the complement: PMS2 is on the minus strand). VCF-style: chr7-6002611-C-A. GRCh37 (hg19) VCF-style: chr7-6042242-C-A.
Other names: c.70G>T, p.Ala24Ser (NM_001406879.1, NM_001406882.1, NM_001406881.1 and 6 more transcripts); c.61G>T, p.Ala21Ser (NM_001406883.1, NM_001322007.2, NM_001322008.2 and 4 more transcripts); c.379G>T, p.Ala127Ser (NM_001406884.1, NM_001406886.1, NM_001322006.2 and 8 more transcripts); c.-27G>T (NM_001406887.1, NM_001406888.1, NM_001406889.1 and 25 more transcripts); c.-506G>T (NM_001322011.2, NM_001322012.2); c.565G>T, p.Ala189Ser (NM_001406866.1); c.403G>T, p.Ala135Ser (NM_001406868.1); short protein forms A127S, A189S, A135S, A21S, A24S.
Identifiers: ClinVar variation 1735027 (VCV001735027.6), dbSNP rs114090343, ClinGen allele CA366744465.

ClinVar aggregate classification (germline): Uncertain significance. Review status: criteria provided, multiple submitters, no conflicts (2 of 4 stars). 2 submissions from 2 submitters: Uncertain significance (2). Last evaluated 2024-03-01.

Conditions:
Hereditary nonpolyposis colorectal neoplasms. Identifiers: MedGen C0009405, MeSH D003123.
Hereditary cancer-predisposing syndrome. Also called: Neoplastic Syndromes, Hereditary; Tumor predisposition; Hereditary Cancer Syndrome; Hereditary neoplastic syndrome. Identifiers: Orphanet 140162, MedGen C0027672, MeSH D009386, MONDO:0015356.

gnomAD v4.1: 1 of 1,611,764 alleles (0.000062%); highest among the groups gnomAD compares: African/African-American, 0.0013%; no homozygotes.

Submissions (2):

Labcorp Genetics (formerly Invitae), Labcorp
Classification: Uncertain significance for Hereditary nonpolyposis colorectal neoplasms. Last evaluated: 2024-03-01. Review status: criteria provided, single submitter. Criteria: Invitae Variant Classification Sherloc (09022015). Collection method: clinical testing. Allele origin: germline.
Comment: This sequence change replaces alanine, which is neutral and non-polar, with serine, which is neutral and polar, at codon 127 of the PMS2 protein (p.Ala127Ser). This variant is not present in population databases (gnomAD no frequency). This variant has not been reported in the literature in individuals affected with PMS2-related conditions. ClinVar contains an entry for this variant (Variation ID: 1735027). Advanced modeling of protein sequence and biophysical properties (such as structural, functional, and spatial information, amino acid conservation, physicochemical variation, residue mobility, and thermodynamic stability) performed at Invitae indicates that this missense variant is not expected to disrupt PMS2 protein function with a negative predictive value of 80%. In summary, the available evidence is currently insufficient to determine the role of this variant in disease. Therefore, it has been classified as a Variant of Uncertain Significance.

Ambry Genetics
Classification: Uncertain significance for Hereditary cancer-predisposing syndrome. Last evaluated: 2023-05-24. Review status: criteria provided, single submitter. Criteria: Ambry Variant Classification Scheme 2023. Collection method: clinical testing. Allele origin: germline.
Comment: The p.A127S variant (also known as c.379G>T), located in coding exon 5 of the PMS2 gene, results from a G to T substitution at nucleotide position 379. The alanine at codon 127 is replaced by serine, an amino acid with similar properties. This amino acid position is poorly conserved in available vertebrate species. In addition, this alteration is predicted to be tolerated by in silico analysis. Since supporting evidence is limited at this time, the clinical significance of this alteration remains unclear.